The following is an entry in ClinVar:

ClinVar aggregate classification (germline): Likely pathogenic (1 of 4 stars; one submission).

Submission:

Labcorp Genetics (formerly Invitae), Labcorp
Classification: Likely pathogenic. Last evaluated: 2024-04-22. Review status: criteria provided, single submitter. Criteria: Invitae Variant Classification Sherloc (09022015). Collection method: clinical testing. Allele origin: germline.
Comment: This sequence change affects a splice site in intron 5 of the IFT43 gene. It is expected to disrupt RNA splicing. Variants that disrupt the donor or acceptor splice site typically lead to a loss of protein function (PMID: 16199547), and loss-of-function variants in IFT43 are known to be pathogenic (PMID: 21378380, 28400947). This variant is present in population databases (no rsID available, gnomAD 0.007%). This variant has not been reported in the literature in individuals affected with IFT43-related conditions. Algorithms developed to predict the effect of sequence changes on RNA splicing suggest that this variant may disrupt the consensus splice site. In summary, the currently available evidence indicates that the variant is pathogenic, but additional data are needed to prove that conclusively. Therefore, this variant has been classified as Likely Pathogenic.

Literature cited by the submitters: PubMed 16199547; PubMed 21378380; PubMed 28400947.

NM_001102564.3(IFT43):c.368+1_368+2insA

Gene: IFT43 (intraflagellar transport 43; plus strand). Cytogenetic location: 14q24.3.
Variant type: Insertion.
Coding change: c.368+1_368+2insA on transcript NM_001102564.3 (MANE Select); the canonical splice donor site of the intron after coding-DNA position 368, A inserted.
Molecular consequence: splice donor variant.
Genome position: GRCh38 VCF-style: chr14-76082368-G-GA. GRCh37 (hg19) VCF-style: chr14-76548711-G-GA.
Other names: c.383+1_383+2insA (NM_052873.3).
Identifiers: ClinVar variation 3650627 (VCV003650627.2).